The following is an entry in ClinVar:

ClinVar aggregate classification (germline): Likely pathogenic (1 of 4 stars; one submission).

Conditions:
ABCA1-related disorder. Also called: ABCA1-related condition; ABCA1-related disorders. Identifiers: MedGen CN239173.

Submission:

PreventionGenetics, part of Exact Sciences
Classification: Likely pathogenic for ABCA1-related condition. Last evaluated: 2026-09-14. Review status: criteria provided, single submitter. Criteria: ACMG Guidelines, 2015. Collection method: clinical testing. Allele origin: germline.
Comment: The ABCA1 c.5577delA variant is predicted to result in a frameshift and premature protein termination (p.Val1861Trpfs*9). This variant was reported in the heterozygous state in an individual with HDL deficiency and cardiovascular disease (Geller et al. 2018. PubMed ID: 30333156). This variant has not been reported in a large population database (gnomAD), indicating this variant is rare. Frameshift variants in ABCA1 are expected to be pathogenic. This variant is interpreted as likely pathogenic.

NM_005502.4(ABCA1):c.5577del (p.Val1861fs)

Gene: ABCA1 (ATP binding cassette subfamily A member 1; minus strand). Cytogenetic location: 9q31.1.
Variant type: Deletion.
Coding change: c.5577del on transcript NM_005502.4 (MANE Select); coding-DNA position 5577, one base deleted (A; older notation c.5577delA).
Protein change: p.Val1861fs; shifts the reading frame from valine 1861.
Molecular consequence: frameshift variant.
Genome position (GRCh38, 1-based): chr9:104,793,230, T deleted on the plus strand (A on the coding strand, the reverse complement: ABCA1 is on the minus strand); the first of 2 consecutive T bases (chr9:104,793,230-104,793,231); deleting either gives the same sequence. VCF-style (leftmost placement, unchanged base first): chr9-104793229-CT-C. GRCh37 (hg19) VCF-style: chr9-107555510-CT-C.
Other names: c.5577delA (NM_005502.3); short protein forms V1861fs.
Identifiers: ClinVar variation 4988692 (VCV004988692.1), dbSNP rs1439949325.
Genomic context (GRCh38, chr9:104,793,229, plus strand): 5'-ACCTGGGCCTGATGAAGAATCTGTACTGGATCAGAACAGTAATGAGGAAGAACACCACCC[CT>C]TCCACGGCCATGGCGAAGAGGTTTCGTCCCACCAAGTCCCAAGATAATGGTGACACAAAG-3'